The following is an entry in ClinVar:

ClinVar aggregate classification (germline): Conflicting classifications of pathogenicity; Affects. Review status: criteria provided, conflicting classifications (1 of 4 stars). 6 submissions from 6 submitters: Likely pathogenic (3); Uncertain significance (1). 1 of the submissions does not count toward it. Last evaluated 2025-04-03.

Conditions:
Progressive myoclonic epilepsy type 3. Also called: KCTD7-Related Progressive Myoclonic Epilepsy; EPILEPSY, PROGRESSIVE MYOCLONIC, 3, WITH OR WITHOUT INTRACELLULAR INCLUSIONS; CEROID LIPOFUSCINOSIS, NEURONAL, 14; EPILEPSY, PROGRESSIVE MYOCLONIC, 3, WITHOUT INTRACELLULAR INCLUSIONS. Identifiers: Orphanet 263516, MedGen C2673257, MONDO:0012721, OMIM 611726.

Allele frequency attached by ClinVar (database versions not stated): gnomAD 0.00002; TOPMed 0.00002; ExAC 0.00004.
gnomAD v4.1: 136 of 1,614,120 alleles (0.0084%); highest among the groups gnomAD compares: South Asian, 0.013%; no homozygotes.

Submissions (6):

Women's Health and Genetics/Laboratory Corporation of America, LabCorp
Classification: Likely pathogenic for Progressive myoclonic epilepsy type 3. Last evaluated: 2025-04-03. Review status: criteria provided, single submitter. Criteria: LabCorp Variant Classification Summary - May 2015. Collection method: clinical testing. Allele origin: germline.
Comment: Variant summary: KCTD7 c.458G>A (p.Arg153His) results in a non-conservative amino acid change in the encoded protein sequence. Four of five in-silico tools predict a damaging effect of the variant on protein function. The variant allele was found at a frequency of 3.6e-05 in 251354 control chromosomes. c.458G>A has been reported in the literature in at-least 2 homozygous individuals, who underwent trio WES testing, and 2 compound heterozygous individuals who are affected with Progressive myoclonic epilepsy type 3 (example: Metz_2018, Binaafar_2021, Zhang_2019, Badv_2024). These data indicate that the variant is likely to be associated with disease. To our knowledge, no experimental evidence demonstrating an impact on protein function has been reported. The following publications have been ascertained in the context of this evaluation (PMID: 34469883, 30295347, 31216804). ClinVar contains an entry for this variant (Variation ID: 561040). Based on the evidence outlined above, the variant was classified as likely pathogenic.

Labcorp Genetics (formerly Invitae), Labcorp
Classification: Likely pathogenic for Progressive myoclonic epilepsy type 3. Last evaluated: 2025-02-13. Review status: criteria provided, single submitter. Criteria: Invitae Variant Classification Sherloc (09022015). Collection method: clinical testing. Allele origin: germline.
Comment: This sequence change replaces arginine, which is basic and polar, with histidine, which is basic and polar, at codon 153 of the KCTD7 protein (p.Arg153His). This variant is present in population databases (rs765235486, gnomAD 0.01%). This missense change has been observed in individuals with progressive myoclonic epilepsy (PMID: 30295347, 31216804, 34469883, 36034301). ClinVar contains an entry for this variant (Variation ID: 561040). Invitae Evidence Modeling of protein sequence and biophysical properties (such as structural, functional, and spatial information, amino acid conservation, physicochemical variation, residue mobility, and thermodynamic stability) has been performed for this missense variant. However, the output from this modeling did not meet the statistical confidence thresholds required to predict the impact of this variant on KCTD7 protein function. This variant disrupts the p.Arg153 amino acid residue in KCTD7. Other variant(s) that disrupt this residue have been observed in individuals with KCTD7-related conditions (PMID: 34866617), which suggests that this may be a clinically significant amino acid residue. In summary, the currently available evidence indicates that the variant is pathogenic, but additional data are needed to prove that conclusively. Therefore, this variant has been classified as Likely Pathogenic.

GeneDx
Classification: Uncertain significance. Last evaluated: 2024-12-27. Review status: criteria provided, single submitter. Criteria: GeneDx Variant Classification Process June 2021. Collection method: clinical testing. Allele origin: germline. Affected: yes.
Comment: In silico analysis supports that this missense variant has a deleterious effect on protein structure/function; Not observed at significant frequency in large population cohorts (gnomAD); This variant is associated with the following publications: (PMID: 30295347, 34469883, 31216804, 34866617, 38231304, 36034301, Badv2024[Article])

CeGaT Center for Human Genetics Tuebingen
Classification: Likely pathogenic. Last evaluated: 2022-10-01. Review status: criteria provided, single submitter. Criteria: CeGaT Center For Human Genetics Tuebingen Variant Classification Criteria Version 2. Collection method: clinical testing. Allele origin: germline. Affected: yes. Observed: 4 variant alleles.

Children’s Center Hospital, Tehran University of Medical Sciences
Classification: Affects for Progressive myoclonic epilepsy type 3. Last evaluated: 2019-02-25. Review status: criteria provided, single submitter. Criteria: Submitter's publication. Collection method: clinical testing. Allele origin: inherited. Inheritance: Autosomal recessive inheritance. Affected: yes. Observed: 1 homozygote.
Comment: Non-Syndromic Epileptic Encephalopathies (NS-EE)

Baylor Genetics
Classification: Uncertain significance for Progressive myoclonic epilepsy type 3. Last evaluated: 2017-09-01. Review status: flagged submission. Criteria: ACMG Guidelines, 2015. Collection method: clinical testing. Allele origin: germline. Inheritance: Autosomal recessive inheritance. Affected: yes. Not counted in ClinVar's aggregate classification.
ClinVar note: Reason: Older and outlier claim with insufficient supporting evidence

Literature cited by the submitters: PubMed 30295347 (cited by Women's Health and Genetics/Laboratory Corporation of America, LabCorp and Labcorp Genetics (formerly Invitae), Labcorp); PubMed 31216804 (cited by Women's Health and Genetics/Laboratory Corporation of America, LabCorp and Labcorp Genetics (formerly Invitae), Labcorp); PubMed 34469883 (cited by Women's Health and Genetics/Laboratory Corporation of America, LabCorp and Labcorp Genetics (formerly Invitae), Labcorp); PubMed 36034301 (cited by Labcorp Genetics (formerly Invitae), Labcorp); PubMed 34866617 (cited by Labcorp Genetics (formerly Invitae), Labcorp); PubMed 25326635 (cited by Baylor Genetics).

NM_153033.5(KCTD7):c.458G>A (p.Arg153His)

Gene: KCTD7 (potassium channel tetramerization domain containing 7; plus strand). Cytogenetic location: 7q11.21.
Variant type: single nucleotide variant.
Coding change: c.458G>A on transcript NM_153033.5 (MANE Select); coding-DNA position 458, G replaced by A.
Protein change: p.Arg153His; replaces arginine 153 with histidine.
Molecular consequence: missense variant.
Genome position (GRCh38, 1-based): chr7:66,638,396, G>A. VCF-style: chr7-66638396-G-A. GRCh37 (hg19) VCF-style: chr7-66103383-G-A.
Other names: c.458G>A, p.Arg153His (NM_001167961.2); short protein forms R153H.
Identifiers: ClinVar variation 561040 (VCV000561040.47), dbSNP rs765235486, ClinGen allele CA4278261.